The following is an entry in ClinVar:

ClinVar aggregate classification (germline): Uncertain significance (1 of 4 stars; one submission).

gnomAD v4.1: 1 of 1,613,894 alleles (0.000062%); highest among the groups gnomAD compares: East Asian, 0.0022%; no homozygotes.

Submission:

Labcorp Genetics (formerly Invitae), Labcorp
Classification: Uncertain significance. Last evaluated: 2022-03-22. Review status: criteria provided, single submitter. Criteria: Invitae Variant Classification Sherloc (09022015). Collection method: clinical testing. Allele origin: germline.
Comment: This variant is not present in population databases (gnomAD no frequency). This sequence change replaces methionine, which is neutral and non-polar, with valine, which is neutral and non-polar, at codon 95 of the CLDN19 protein (p.Met95Val). In summary, the available evidence is currently insufficient to determine the role of this variant in disease. Therefore, it has been classified as a Variant of Uncertain Significance. Algorithms developed to predict the effect of missense changes on protein structure and function output the following: SIFT: "Tolerated"; PolyPhen-2: "Benign"; Align-GVGD: "Class C0". The valine amino acid residue is found in multiple mammalian species, which suggests that this missense change does not adversely affect protein function. This variant has not been reported in the literature in individuals affected with CLDN19-related conditions.

NM_148960.3(CLDN19):c.283A>G (p.Met95Val)

Gene: CLDN19 (claudin 19; minus strand). Cytogenetic location: 1p34.2.
Variant type: single nucleotide variant.
Coding change: c.283A>G on transcript NM_148960.3 (MANE Select); coding-DNA position 283, A replaced by G.
Protein change: p.Met95Val; replaces methionine 95 with valine.
Molecular consequence: missense variant.
Genome position (GRCh38, 1-based): chr1:42,738,526, T>C on the plus strand (A>G on the coding strand, the complement: CLDN19 is on the minus strand). VCF-style: chr1-42738526-T-C. GRCh37 (hg19) VCF-style: chr1-43204197-T-C.
Other names: c.283A>G, p.Met95Val (NM_001123395.2, NM_001185117.2); short protein forms M95V.
Identifiers: ClinVar variation 1374720 (VCV001374720.6), dbSNP rs749031151, ClinGen allele CA339946406.
Genomic context (GRCh38, chr1:42,738,526, plus strand): 5'-TGGCAATGGGGTTGCTGTCTCCCACCCGCGTACACTTCATGCCAACTACGCTGAGGACCA[T>C]GGCCACGAAGCCCAGGAGCACGGCCACCACCATCAGGGCCCGCGCTGATTGGATGTGACC-3'
Protein context (NP_683763.2, residues 85-105): VVAVLLGFVA[Met95Val]VLSVVGMKCT